The following is an entry in ClinVar:

ClinVar aggregate classification (germline): Uncertain significance (1 of 4 stars; one submission).

gnomAD v4.1: 8 of 1,613,592 alleles (0.0005%); highest among the groups gnomAD compares: African/African-American, 0.0053%; no homozygotes.

Submission:

Labcorp Genetics (formerly Invitae), Labcorp
Classification: Uncertain significance. Last evaluated: 2022-05-27. Review status: criteria provided, single submitter. Criteria: Invitae Variant Classification Sherloc (09022015). Collection method: clinical testing. Allele origin: germline.
Comment: This variant is not present in population databases (gnomAD no frequency). In summary, the available evidence is currently insufficient to determine the role of this variant in disease. Therefore, it has been classified as a Variant of Uncertain Significance. Algorithms developed to predict the effect of missense changes on protein structure and function are either unavailable or do not agree on the potential impact of this missense change (SIFT: "Deleterious"; PolyPhen-2: "Benign"; Align-GVGD: "Class C0"). This variant has not been reported in the literature in individuals affected with DNAH9-related conditions. This sequence change replaces alanine, which is neutral and non-polar, with glutamic acid, which is acidic and polar, at codon 3318 of the DNAH9 protein (p.Ala3318Glu).

NM_001372.4(DNAH9):c.9953C>A (p.Ala3318Glu)

Gene: DNAH9 (dynein axonemal heavy chain 9; plus strand). Cytogenetic location: 17p12.
Variant type: single nucleotide variant.
Coding change: c.9953C>A on transcript NM_001372.4 (MANE Select); coding-DNA position 9953, C replaced by A.
Protein change: p.Ala3318Glu; replaces alanine 3318 with glutamic acid.
Molecular consequence: missense variant.
Genome position (GRCh38, 1-based): chr17:11,869,153, C>A. VCF-style: chr17-11869153-C-A. GRCh37 (hg19) VCF-style: chr17-11772470-C-A.
Other names: short protein forms A3318E.
Identifiers: ClinVar variation 1935911 (VCV001935911.5), dbSNP rs560439403, ClinGen allele CA288001374.